The following is an entry in ClinVar:

NM_022455.5(NSD1):c.3812A>G (p.Lys1271Arg)

Gene: NSD1 (nuclear receptor binding SET domain protein 1; plus strand). Cytogenetic location: 5q35.3.
Variant type: single nucleotide variant.
Coding change: c.3812A>G on transcript NM_022455.5 (MANE Select); coding-DNA position 3812, A replaced by G.
Protein change: p.Lys1271Arg; replaces lysine 1271 with arginine.
Molecular consequence: missense variant.
Genome position (GRCh38, 1-based): chr5:177,235,836, A>G. VCF-style: chr5-177235836-A-G. GRCh37 (hg19) VCF-style: chr5-176662837-A-G.
Other names: c.2939A>G, p.Lys980Arg (NM_001365684.2, NM_001409306.1, NM_001409307.1 and 3 more transcripts); c.3812A>G, p.Lys1271Arg (NM_001409301.1, NM_001409302.1, NM_001409303.1); c.3392A>G, p.Lys1131Arg (NM_001409304.1); c.3059A>G, p.Lys1020Arg (NM_001409305.1); short protein forms K1020R, K1131R, K1271R, K980R.
Identifiers: ClinVar variation 4731815 (VCV004731815.1).
Genomic context (GRCh38, chr5:177,235,836, plus strand): 5'-CCTGAAGCTTTTTGATTAATGTTGAATTTGTTTATCATCTTTTAGCTGTGCGGTCAGAGA[A>G]GAAACGCCTTAGGAAGCCAAGCAAGTGGCTTTTGGAATATACAGAAGAATATGATCAGAT-3'
Protein context (NP_071900.2, residues 1261-1281): ELPEPAVRSE[Lys1271Arg]KRLRKPSKWL

ClinVar aggregate classification (germline): Uncertain significance (1 of 4 stars; one submission).

gnomAD v4.1: 1 of 1,614,062 alleles (0.000062%); no homozygotes.

Submission:

Labcorp Genetics (formerly Invitae), Labcorp
Classification: Uncertain significance. Last evaluated: 2025-12-31. Review status: criteria provided, single submitter. Criteria: Invitae Variant Classification Sherloc (09022015). Collection method: clinical testing. Allele origin: germline.
Comment: This sequence change replaces lysine, which is basic and polar, with arginine, which is basic and polar, at codon 1271 of the NSD1 protein (p.Lys1271Arg). This variant is present in population databases (no rsID available, gnomAD 0.003%). This variant has not been reported in the literature in individuals affected with NSD1-related conditions. Invitae Evidence Modeling of protein sequence and biophysical properties (such as structural, functional, and spatial information, amino acid conservation, physicochemical variation, residue mobility, and thermodynamic stability) indicates that this missense variant is not expected to disrupt NSD1 protein function with a negative predictive value of 80%. In summary, the available evidence is currently insufficient to determine the role of this variant in disease. Therefore, it has been classified as a Variant of Uncertain Significance.